The following is an entry in ClinVar:

ClinVar aggregate classification (germline): Uncertain significance (1 of 4 stars; one submission).

Submission:

Dasa
Classification: Uncertain significance. Last evaluated: 2024-12-13. Review status: criteria provided, single submitter. Criteria: DASA Assertion Criteria. Collection method: clinical testing. Allele origin: germline.
Comment: NM_001110556.2(FLNA):c.3979+8C>A is a splice-region variant. This variant is absent from population databases. Computational prediction algorithms are consistent with a benign effect. The currently available literature and clinical evidence are not sufficient to establish a definitive association between this variant and the reported condition. Therefore, this variant is classified as a variant of uncertain significance.

NM_001110556.2(FLNA):c.3979+8C>A

Gene: FLNA (filamin A; minus strand). Cytogenetic location: Xq28.
Variant type: single nucleotide variant.
Coding change: c.3979+8C>A on transcript NM_001110556.2 (MANE Select); 8 bases into the intron after coding-DNA position 3979, C replaced by A.
Molecular consequence: intron variant.
Genome position (GRCh38, 1-based): chrX:154,359,724, G>T on the plus strand (C>A on the coding strand, the complement: FLNA is on the minus strand). VCF-style: chrX-154359724-G-T. GRCh37 (hg19) VCF-style: chrX-153588092-G-T.
Other names: c.3979+8C>A (NM_001456.4).
Identifiers: ClinVar variation 4852689 (VCV004852689.2).